The following is an entry in ClinVar:

ClinVar aggregate classification (germline): Benign/Likely benign. Review status: criteria provided, multiple submitters, no conflicts (2 of 4 stars). 4 submissions from 4 submitters: Benign (3); Likely benign (1). Last evaluated 2026-01-22.

Conditions:
Encephalopathy, acute, infection-induced (herpes-specific), susceptibility to, 1. Also called: Herpes simplex encephalitis, susceptibility to, 1. Identifiers: Orphanet 1930, MedGen C2750180, MONDO:0024563, OMIM 610551.

Allele frequency attached by ClinVar (database versions not stated): gnomAD exomes 0.00049 and 0.00131; ExAC 0.00163; gnomAD 0.00502 and 0.00545; ESP Exome Variant Server 0.00577; 1000 Genomes Project 30x 0.00578; 1000 Genomes Project 0.00559; TOPMed 0.00614.
gnomAD v4.1: 1,533 of 1,614,070 alleles (0.095%); highest among the groups gnomAD compares: African/African-American, 1.8%; 9 homozygotes.

Submissions (4):

Labcorp Genetics (formerly Invitae), Labcorp
Classification: Benign for Encephalopathy, acute, infection-induced (herpes-specific), susceptibility to, 1. Last evaluated: 2026-01-22. Review status: criteria provided, single submitter. Criteria: Invitae Variant Classification Sherloc (09022015). Collection method: clinical testing. Allele origin: germline.

Mayo Clinic Laboratories, Mayo Clinic
Classification: Benign. Last evaluated: 2025-07-29. Review status: criteria provided, single submitter. Criteria: ACMG Guidelines, 2015. Collection method: clinical testing. Allele origin: germline. Observed: 1 variant allele.
Comment: BS1, BS2, BP4, BP7

Blueprint Genetics
Classification: Likely benign. Last evaluated: 2024-06-11. Review status: criteria provided, single submitter. Criteria: ACMG Guidelines, 2015. Collection method: clinical testing. Allele origin: germline.

Breakthrough Genomics
Classification: Benign. Review status: criteria provided, single submitter. Criteria: ACMG Guidelines, 2015. Collection method: not provided. Allele origin: germline. Inheritance: Autosomal dominant inheritance. Affected: yes.

NM_003265.3(TLR3):c.2556T>G (p.Leu852=)

Gene: TLR3 (toll like receptor 3; plus strand). Cytogenetic location: 4q35.1.
Variant type: single nucleotide variant.
Coding change: c.2556T>G on transcript NM_003265.3 (MANE Select); coding-DNA position 2556, T replaced by G.
Protein change: p.Leu852=; no amino-acid change (leucine 852 retained).
Molecular consequence: synonymous variant.
Genome position (GRCh38, 1-based): chr4:186,084,714, T>G. VCF-style: chr4-186084714-T-G. GRCh37 (hg19) VCF-style: chr4-187005868-T-G.
Other names: p.Leu852=.
Identifiers: ClinVar variation 537925 (VCV000537925.15), dbSNP rs115677523, ClinGen allele CA3161607.